The following is an entry in ClinVar:

NM_001378454.1(ALMS1):c.4443G>T (p.Lys1481Asn)

Gene: ALMS1 (ALMS1 centrosome and basal body associated protein; plus strand). Cytogenetic location: 2p13.1.
Variant type: single nucleotide variant.
Coding change: c.4443G>T on transcript NM_001378454.1 (MANE Select); coding-DNA position 4443, G replaced by T.
Protein change: p.Lys1481Asn; replaces lysine 1481 with asparagine.
Molecular consequence: missense variant.
Genome position (GRCh38, 1-based): chr2:73,450,970, G>T. VCF-style: chr2-73450970-G-T. GRCh37 (hg19) VCF-style: chr2-73678097-G-T.
Other names: c.4446G>T, p.Lys1482Asn (NM_015120.4); short protein forms K1481N, K1482N.
Identifiers: ClinVar variation 4539982 (VCV004539982.1).

ClinVar aggregate classification (germline): Uncertain significance (1 of 4 stars; one submission).

Submission:

GeneDx
Classification: Uncertain significance. Last evaluated: 2025-06-24. Review status: criteria provided, single submitter. Criteria: GeneDx Variant Classification Process June 2021. Collection method: clinical testing. Allele origin: germline. Affected: yes.
Comment: Not observed at significant frequency in large population cohorts (gnomAD); In silico analysis suggests that this missense variant does not alter protein structure/function; Has not been previously published as pathogenic or benign to our knowledge